The following is an entry in ClinVar:

NM_005732.4(RAD50):c.-1C>T

Gene: RAD50 (RAD50 double strand break repair protein; plus strand). Cytogenetic location: 5q31.1.
Variant type: single nucleotide variant.
Coding change: c.-1C>T on transcript NM_005732.4 (MANE Select); 1 bases upstream of the start codon, C replaced by T.
Molecular consequence: 5 prime UTR variant.
Genome position (GRCh38, 1-based): chr5:132,557,324, C>T. VCF-style: chr5-132557324-C-T. GRCh37 (hg19) VCF-style: chr5-131893016-C-T.
Identifiers: ClinVar variation 820485 (VCV000820485.4), dbSNP rs1580974320, ClinGen allele CA915943598.
Genomic context (GRCh38, chr5:132,557,324, plus strand): 5'-CGGCCTCAGTTAAGCCTTTGTGGGCTCCAGGTCCCTGGTGAGATTAGAAACGTTTGCAAA[C>T]ATGTCCCGGATCGAAAAGATGAGCATTCTGGGCGTGCGGAGTTTTGGAATAGAGGACAAA-3'

ClinVar aggregate classification (germline): Uncertain significance (1 of 4 stars; one submission).

Conditions:
Hereditary cancer-predisposing syndrome. Also called: Neoplastic Syndromes, Hereditary; Tumor predisposition; Hereditary Cancer Syndrome; Hereditary neoplastic syndrome. Identifiers: Orphanet 140162, MedGen C0027672, MeSH D009386, MONDO:0015356.

Submission:

Ambry Genetics
Classification: Uncertain significance for Hereditary cancer-predisposing syndrome. Last evaluated: 2018-03-05. Review status: criteria provided, single submitter. Criteria: Ambry Variant Classification Scheme 2023. Collection method: clinical testing. Allele origin: germline.
Comment: The c.-1C>T variant is located in the 5' untranslated region (5&rsquo; UTR) of the RAD50 gene. This variant results from a C to T substitution 1 nucleotide upstream from the first translated codon. This nucleotide position is not well conserved in available vertebrate species. Since supporting evidence is limited at this time, the clinical significance of this alteration remains unclear.